The following is an entry in ClinVar:

NM_001130965.3(SUN1):c.254A>T (p.Asn85Ile)

Gene: SUN1 (Sad1 and UNC84 domain containing 1; plus strand). Cytogenetic location: 7p22.3.
Variant type: single nucleotide variant.
Coding change: c.254A>T on transcript NM_001130965.3 (MANE Select); coding-DNA position 254, A replaced by T.
Protein change: p.Asn85Ile; replaces asparagine 85 with isoleucine.
Molecular consequence: missense variant. On other transcripts: 5 prime UTR variant (2), non-coding transcript variant (3), intron variant (2).
Genome position (GRCh38, 1-based): chr7:838,974, A>T. VCF-style: chr7-838974-A-T. GRCh37 (hg19) VCF-style: chr7-878611-A-T.
Other names: c.254A>T, p.Asn85Ile (NM_001171944.2, NM_001171946.2, NM_001367633.1 and 34 more transcripts); c.317A>T, p.Asn106Ile (NM_001171945.2); c.-204A>T (NM_001367635.1); c.104A>T, p.Asn35Ile (NM_001367636.1, NM_001367637.1, NM_001367644.1 and 25 more transcripts); c.473A>T, p.Asn158Ile (NM_001367651.1); c.-508A>T (NM_001367658.1); c.78-2972A>T (NM_001367695.1); c.-301-2972A>T (NM_001367639.1); short protein forms N158I, N85I, N35I, N106I.
Identifiers: ClinVar variation 1916103 (VCV001916103.5), dbSNP rs377212222, ClinGen allele CA152397469.

ClinVar aggregate classification (germline): Uncertain significance (1 of 4 stars; one submission).

Conditions:
Emery-Dreifuss muscular dystrophy (EDMD). Also called: Scapuloperoneal syndrome, X-linked (formerly); Humeroperoneal neuromuscular disease, (formerly). Identifiers: Orphanet 261, MedGen C0410189, MONDO:0016830.

Allele frequency attached by ClinVar (database versions not stated): gnomAD 0.00001; ESP Exome Variant Server 0.00008.
gnomAD v4.1: 2 of 1,588,786 alleles (0.00013%); highest among the groups gnomAD compares: Non-Finnish European, 0.00017%; no homozygotes.

Submission:

Labcorp Genetics (formerly Invitae), Labcorp
Classification: Uncertain significance for Emery-Dreifuss muscular dystrophy. Last evaluated: 2022-01-05. Review status: criteria provided, single submitter. Criteria: Invitae Variant Classification Sherloc (09022015). Collection method: clinical testing. Allele origin: germline.
Comment: This sequence change replaces asparagine, which is neutral and polar, with isoleucine, which is neutral and non-polar, at codon 85 of the SUN1 protein (p.Asn85Ile). In summary, the available evidence is currently insufficient to determine the role of this variant in disease. Therefore, it has been classified as a Variant of Uncertain Significance. Algorithms developed to predict the effect of missense changes on protein structure and function (SIFT, PolyPhen-2, Align-GVGD) all suggest that this variant is likely to be tolerated. This variant has not been reported in the literature in individuals affected with SUN1-related conditions. This variant is present in population databases (rs377212222, gnomAD 0.002%).